The following is an entry in ClinVar:

NM_000059.4(BRCA2):c.3610G>A (p.Ala1204Thr)

Gene: BRCA2 (BRCA2 DNA repair associated; plus strand). Cytogenetic location: 13q13.1.
Variant type: single nucleotide variant.
Coding change: c.3610G>A on transcript NM_000059.4 (MANE Select); coding-DNA position 3610, G replaced by A.
Protein change: p.Ala1204Thr; replaces alanine 1204 with threonine.
Molecular consequence: missense variant.
Genome position (GRCh38, 1-based): chr13:32,337,965, G>A. VCF-style: chr13-32337965-G-A. GRCh37 (hg19) VCF-style: chr13-32912102-G-A.
Other names: short protein forms A1204T.
Identifiers: ClinVar variation 937617 (VCV000937617.13), dbSNP rs1555283309, ClinGen allele CA387777539.
Genomic context (GRCh38, chr13:32,337,965, plus strand): 5'-GGTACAGTTGAAATTAAACGGAAGTTTGCTGGCCTGTTGAAAAATGACTGTAACAAAAGT[G>A]CTTCTGGTTATTTAACAGATGAAAATGAAGTGGGGTTTAGGGGCTTTTATTCTGCTCATG-3'
Protein context (NP_000050.3, residues 1194-1214): GLLKNDCNKS[Ala1204Thr]SGYLTDENEV

ClinVar aggregate classification (germline): Conflicting classifications of pathogenicity. Review status: criteria provided, conflicting classifications (1 of 4 stars). 3 submissions from 3 submitters: Uncertain significance (2); Likely benign (1). Last evaluated 2025-03-23.

Conditions:
Hereditary cancer-predisposing syndrome. Also called: Tumor predisposition; Hereditary neoplastic syndrome; Hereditary Cancer Syndrome; Neoplastic Syndromes, Hereditary. Identifiers: Orphanet 140162, MedGen C0027672, MeSH D009386, MONDO:0015356.
Hereditary breast ovarian cancer syndrome. Also called: BRCA1- and BRCA2-Associated Hereditary Breast and Ovarian Cancer; Hereditary breast and/or ovarian cancer syndrome; Hereditary breast and ovarian cancer syndrome; Hereditary breast and ovarian cancer; Breast and ovarian cancer; Hereditary breast and ovarian cancer syndrome (HBOC). Identifiers: Orphanet 145, MedGen C0677776, MeSH D061325, MONDO:0003582. Disease mechanism: loss of function.

Allele frequency attached by ClinVar (database versions not stated): gnomAD exomes below 0.00001.
gnomAD v4.1: 2 of 1,613,970 alleles (0.00012%); highest among the groups gnomAD compares: Non-Finnish European, 0.00017%; no homozygotes.

Submissions (3):

Labcorp Genetics (formerly Invitae), Labcorp
Classification: Uncertain significance for Hereditary breast ovarian cancer syndrome. Last evaluated: 2025-03-23. Review status: criteria provided, single submitter. Criteria: Invitae Variant Classification Sherloc (09022015). Collection method: clinical testing. Allele origin: germline.
Comment: This sequence change replaces alanine, which is neutral and non-polar, with threonine, which is neutral and polar, at codon 1204 of the BRCA2 protein (p.Ala1204Thr). This variant is not present in population databases (gnomAD no frequency). This variant has not been reported in the literature in individuals affected with BRCA2-related conditions. ClinVar contains an entry for this variant (Variation ID: 937617). Invitae Evidence Modeling of protein sequence and biophysical properties (such as structural, functional, and spatial information, amino acid conservation, physicochemical variation, residue mobility, and thermodynamic stability) indicates that this missense variant is not expected to disrupt BRCA2 protein function with a negative predictive value of 95%. In summary, the available evidence is currently insufficient to determine the role of this variant in disease. Therefore, it has been classified as a Variant of Uncertain Significance.

University of Washington Department of Laboratory Medicine, University of Washington
Classification: Likely benign for Hereditary cancer-predisposing syndrome. Last evaluated: 2023-03-23. Review status: criteria provided, single submitter. Criteria: Dines et al. (Genet Med. 2020). Collection method: curation. Allele origin: germline.
Comment: Missense variant in a coldspot region where missense variants are very unlikely to be pathogenic (PMID:31911673).

BRCA2 exon 11 coldspot. Reclassification based on statistical prior probability.

Ambry Genetics
Classification: Uncertain significance for Hereditary cancer-predisposing syndrome. Last evaluated: 2017-10-03. Review status: criteria provided, single submitter. Criteria: Ambry Variant Classification Scheme 2023. Collection method: clinical testing. Allele origin: germline.
Comment: The p.A1204T variant (also known as c.3610G>A), located in coding exon 10 of the BRCA2 gene, results from a G to A substitution at nucleotide position 3610. The alanine at codon 1204 is replaced by threonine, an amino acid with similar properties. This amino acid position is poorly conserved in available vertebrate species. In addition, this alteration is predicted to be tolerated by in silico analysis. Since supporting evidence is limited at this time, the clinical significance of this alteration remains unclear.